The following is an entry in ClinVar:

ClinVar aggregate classification (germline): Uncertain significance. Review status: criteria provided, multiple submitters, no conflicts (2 of 4 stars). 2 submissions from 2 submitters: Uncertain significance (2). Last evaluated 2025-02-09.

Conditions:
Birt-Hogg-Dube syndrome. Also called: Birt Hogg Dubé syndrome. Identifiers: Orphanet 122, MedGen C0346010, MONDO:0800444.
Hereditary cancer-predisposing syndrome. Also called: Neoplastic Syndromes, Hereditary; Tumor predisposition; Hereditary neoplastic syndrome; Hereditary Cancer Syndrome. Identifiers: Orphanet 140162, MedGen C0027672, MeSH D009386, MONDO:0015356.

Submissions (2):

Ambry Genetics
Classification: Uncertain significance for Hereditary cancer-predisposing syndrome. Last evaluated: 2025-02-09. Review status: criteria provided, single submitter. Criteria: Ambry Variant Classification Scheme 2023. Collection method: clinical testing. Allele origin: germline.
Comment: The p.N301S variant (also known as c.902A>G), located in coding exon 6 of the FLCN gene, results from an A to G substitution at nucleotide position 902. The asparagine at codon 301 is replaced by serine, an amino acid with highly similar properties. This amino acid position is conserved. In addition, this alteration is predicted to be tolerated by in silico analysis. Since supporting evidence is limited at this time, the clinical significance of this alteration remains unclear.

Labcorp Genetics (formerly Invitae), Labcorp
Classification: Uncertain significance for Birt-Hogg-Dube syndrome. Last evaluated: 2024-09-15. Review status: criteria provided, single submitter. Criteria: Invitae Variant Classification Sherloc (09022015). Collection method: clinical testing. Allele origin: germline.
Comment: This sequence change replaces asparagine, which is neutral and polar, with serine, which is neutral and polar, at codon 301 of the FLCN protein (p.Asn301Ser). This variant is not present in population databases (gnomAD no frequency). This variant has not been reported in the literature in individuals affected with FLCN-related conditions. ClinVar contains an entry for this variant (Variation ID: 1765525). Invitae Evidence Modeling of protein sequence and biophysical properties (such as structural, functional, and spatial information, amino acid conservation, physicochemical variation, residue mobility, and thermodynamic stability) indicates that this missense variant is not expected to disrupt FLCN protein function with a negative predictive value of 80%. In summary, the available evidence is currently insufficient to determine the role of this variant in disease. Therefore, it has been classified as a Variant of Uncertain Significance.

NM_144997.7(FLCN):c.902A>G (p.Asn301Ser)

Gene: FLCN (folliculin; minus strand). Cytogenetic location: 17p11.2.
Variant type: single nucleotide variant.
Coding change: c.902A>G on transcript NM_144997.7 (MANE Select); coding-DNA position 902, A replaced by G.
Protein change: p.Asn301Ser; replaces asparagine 301 with serine.
Molecular consequence: missense variant.
Genome position (GRCh38, 1-based): chr17:17,219,179, T>C on the plus strand (A>G on the coding strand, the complement: FLCN is on the minus strand). VCF-style: chr17-17219179-T-C. GRCh37 (hg19) VCF-style: chr17-17122493-T-C.
Other names: c.956A>G, p.Asn319Ser (NM_001353229.2); c.902A>G, p.Asn301Ser (NM_001353230.2, NM_001353231.2); short protein forms N319S, N301S.
Identifiers: ClinVar variation 1765525 (VCV001765525.6), dbSNP rs2544196939, ClinGen allele CA398533044.